The following is an entry in ClinVar:

ClinVar aggregate classification (germline): Uncertain significance (1 of 4 stars; one submission).

Submission:

GeneDx
Classification: Uncertain significance. Last evaluated: 2025-04-02. Review status: criteria provided, single submitter. Criteria: GeneDx Variant Classification Process June 2021. Collection method: clinical testing. Allele origin: germline. Affected: yes.
Comment: Not observed at significant frequency in large population cohorts (gnomAD); In silico analysis supports that this missense variant has a deleterious effect on protein structure/function; Has not been previously published as pathogenic or benign to our knowledge

NM_001385012.1(NBEA):c.6598A>G (p.Thr2200Ala)

Gene: NBEA (neurobeachin; plus strand). Cytogenetic location: 13q13.3.
Variant type: single nucleotide variant.
Coding change: c.6598A>G on transcript NM_001385012.1 (MANE Select); coding-DNA position 6598, A replaced by G.
Protein change: p.Thr2200Ala; replaces threonine 2200 with alanine.
Molecular consequence: missense variant. On other transcripts: 5 prime UTR variant (1).
Genome position (GRCh38, 1-based): chr13:35,550,489, A>G. VCF-style: chr13-35550489-A-G. GRCh37 (hg19) VCF-style: chr13-36124626-A-G.
Other names: c.-24A>G (NM_001204197.3); c.6589A>G, p.Thr2197Ala (NM_001379245.1); c.6598A>G, p.Thr2200Ala (NM_015678.5); short protein forms T2197A, T2200A.
Identifiers: ClinVar variation 4278784 (VCV004278784.1).
Genomic context (GRCh38, chr13:35,550,489, plus strand): 5'-AATCCATATTTTATTGATTGACACTTCCCTTTAAACTGTTTATTTTAGGTTCTTGCATAC[A>G]CTGAGGGACTTCACGGAAAATGGATGTTCAGCGAGATACGAGCTGTATTTTCAAGACGTT-3'
Protein context (NP_001371941.1, residues 2190-2210): KKIDTKVLAY[Thr2200Ala]EGLHGKWMFS